The following is an entry in ClinVar:

NM_032043.3(BRIP1):c.1972C>G (p.Arg658Gly)

Gene: BRIP1 (BRCA1 interacting DNA helicase 1; minus strand). Cytogenetic location: 17q23.2.
Variant type: single nucleotide variant.
Coding change: c.1972C>G on transcript NM_032043.3 (MANE Select); coding-DNA position 1972, C replaced by G.
Protein change: p.Arg658Gly; replaces arginine 658 with glycine.
Molecular consequence: missense variant.
Genome position (GRCh38, 1-based): chr17:61,776,526, G>C on the plus strand (C>G on the coding strand, the complement: BRIP1 is on the minus strand). VCF-style: chr17-61776526-G-C. GRCh37 (hg19) VCF-style: chr17-59853887-G-C.
Other names: short protein forms R658G.
Identifiers: ClinVar variation 629513 (VCV000629513.11), dbSNP rs786203170, ClinGen allele CA400478517.

ClinVar aggregate classification (germline): Uncertain significance. Review status: criteria provided, multiple submitters, no conflicts (2 of 4 stars). 4 submissions from 4 submitters: Uncertain significance (3). 1 of the submissions does not count toward it. Last evaluated 2025-01-11.

Conditions:
Hereditary cancer-predisposing syndrome. Also called: Tumor predisposition; Neoplastic Syndromes, Hereditary; Hereditary Cancer Syndrome; Hereditary neoplastic syndrome. Identifiers: Orphanet 140162, MedGen C0027672, MeSH D009386, MONDO:0015356.
Breast and/or ovarian cancer. Identifiers: MedGen CN221562.
Familial cancer of breast. Also called: BREAST CANCER, FAMILIAL; Hereditary breast cancer; hereditary breast carcinoma. Identifiers: Orphanet 227535, MedGen C0346153, MONDO:0016419, OMIM 114480. Disease mechanism: loss of function.
Fanconi anemia complementation group J. Also called: BRIP1-Related Fanconi Anemia. Identifiers: Orphanet 84, MedGen C1836860, MONDO:0012187, OMIM 609054.

Submissions (4):

Labcorp Genetics (formerly Invitae), Labcorp
Classification: Uncertain significance for Familial cancer of breast; Fanconi anemia complementation group J. Last evaluated: 2025-01-11. Review status: criteria provided, single submitter. Criteria: Invitae Variant Classification Sherloc (09022015). Collection method: clinical testing. Allele origin: germline.
Comment: This sequence change replaces arginine, which is basic and polar, with glycine, which is neutral and non-polar, at codon 658 of the BRIP1 protein (p.Arg658Gly). This variant is not present in population databases (gnomAD no frequency). This variant has not been reported in the literature in individuals affected with BRIP1-related conditions. ClinVar contains an entry for this variant (Variation ID: 629513). Invitae Evidence Modeling of protein sequence and biophysical properties (such as structural, functional, and spatial information, amino acid conservation, physicochemical variation, residue mobility, and thermodynamic stability) has been performed for this missense variant. However, the output from this modeling did not meet the statistical confidence thresholds required to predict the impact of this variant on BRIP1 protein function. In summary, the available evidence is currently insufficient to determine the role of this variant in disease. Therefore, it has been classified as a Variant of Uncertain Significance.

CHEO Genetics Diagnostic Laboratory, Children's Hospital of Eastern Ontario
Classification: Uncertain significance for Breast and/or ovarian cancer. Last evaluated: 2021-05-06. Review status: criteria provided, single submitter. Criteria: ACMG Guidelines, 2015. Collection method: clinical testing. Allele origin: germline.

Color Diagnostics, LLC DBA Color Health
Classification: Uncertain significance for Hereditary cancer-predisposing syndrome. Last evaluated: 2019-04-24. Review status: criteria provided, single submitter. Criteria: ACMG Guidelines, 2015. Collection method: clinical testing. Allele origin: germline.

Leiden Open Variation Database
Classification: Uncertain significance. Last evaluated: 2019-08-13. Review status: no assertion criteria provided. Collection method: curation. Allele origin: germline. Affected: yes. Not counted in ClinVar's aggregate classification.
Comment: Curator: Arleen D. Auerbach. Submitter to LOVD: Yukihide Momozawa.

Literature cited by the submitters: PubMed 31214711 (cited by Leiden Open Variation Database).